The following is an entry in ClinVar:

ClinVar aggregate classification (germline): Benign/Likely benign. Review status: criteria provided, multiple submitters, no conflicts (2 of 4 stars). 5 submissions from 5 submitters: Benign (2); Likely benign (1). 2 of the submissions do not count toward it. Last evaluated 2026-06-01.

Allele frequency attached by ClinVar (database versions not stated): 1000 Genomes Project 30x 0.00156; 1000 Genomes Project 0.00160; ESP Exome Variant Server 0.00408.
gnomAD v4.1: 7,749 of 1,612,068 alleles (0.48%); highest among the groups gnomAD compares: Non-Finnish European, 0.61%; 30 homozygotes.

Submissions (5):

CeGaT Center for Human Genetics Tuebingen
Classification: Likely benign. Last evaluated: 2026-06-01. Review status: criteria provided, single submitter. Criteria: CeGaT Center For Human Genetics Tuebingen Variant Classification Criteria Version 2. Collection method: clinical testing. Allele origin: germline. Affected: yes. Observed: 9 variant alleles.
Comment: CEP250: BP4, BP7, BS2

Labcorp Genetics (formerly Invitae), Labcorp
Classification: Benign. Last evaluated: 2026-01-27. Review status: criteria provided, single submitter. Criteria: Invitae Variant Classification Sherloc (09022015). Collection method: clinical testing. Allele origin: germline.

Breakthrough Genomics
Classification: Benign. Review status: criteria provided, single submitter. Criteria: ACMG Guidelines, 2015. Collection method: not provided. Allele origin: germline. Inheritance: Autosomal recessive inheritance. Affected: yes.

Clinical Genetics DNA and cytogenetics Diagnostics Lab, Erasmus MC, Erasmus Medical Center
Classification: Likely benign. Review status: no assertion criteria provided. Collection method: clinical testing. Allele origin: germline. Affected: yes. Study: VKGL Data-share Consensus. Not counted in ClinVar's aggregate classification.

Clinical Genetics, Academic Medical Center
Classification: Benign. Review status: no assertion criteria provided. Collection method: clinical testing. Allele origin: germline. Affected: yes. Study: VKGL Data-share Consensus. Not counted in ClinVar's aggregate classification.

NM_007186.6(CEP250):c.936A>G (p.Thr312=)

Gene: CEP250 (centrosomal protein 250; plus strand). Cytogenetic location: 20q11.22.
Variant type: single nucleotide variant.
Coding change: c.936A>G on transcript NM_007186.6 (MANE Select); coding-DNA position 936, A replaced by G.
Protein change: p.Thr312=; no amino-acid change (threonine 312 retained).
Molecular consequence: synonymous variant. On other transcripts: 5 prime UTR variant (1).
Genome position (GRCh38, 1-based): chr20:35,469,974, A>G. VCF-style: chr20-35469974-A-G. GRCh37 (hg19) VCF-style: chr20-34057799-A-G.
Other names: c.-964A>G (NM_001318219.1).
Identifiers: ClinVar variation 1167440 (VCV001167440.37), dbSNP rs41290918, ClinGen allele CA9832758.